The following is an entry in ClinVar:

ClinVar aggregate classification (germline): Uncertain significance (1 of 4 stars; one submission).

Conditions:
Hereditary cancer-predisposing syndrome. Also called: Tumor predisposition; Neoplastic Syndromes, Hereditary; Hereditary neoplastic syndrome; Hereditary Cancer Syndrome. Identifiers: Orphanet 140162, MedGen C0027672, MeSH D009386, MONDO:0015356.

Submission:

Ambry Genetics
Classification: Uncertain significance for Hereditary cancer-predisposing syndrome. Last evaluated: 2025-08-27. Review status: criteria provided, single submitter. Criteria: Ambry Variant Classification Scheme 2023. Collection method: clinical testing. Allele origin: germline.
Comment: The p.R36W variant (also known as c.106A>T), located in coding exon 2 of the MUTYH gene, results from an A to T substitution at nucleotide position 106. The arginine at codon 36 is replaced by tryptophan, an amino acid with dissimilar properties. This amino acid position is conserved. In addition, this alteration is predicted to be tolerated by in silico analysis. Based on the available evidence, the clinical significance of this variant remains unclear.

NM_001048174.2(MUTYH):c.64A>T (p.Arg22Trp)

Gene: MUTYH (mutY DNA glycosylase; minus strand). Cytogenetic location: 1p34.1.
Variant type: single nucleotide variant.
Coding change: c.64A>T on transcript NM_001048174.2 (MANE Select); coding-DNA position 64, A replaced by T.
Protein change: p.Arg22Trp; replaces arginine 22 with tryptophan.
Molecular consequence: missense variant. On other transcripts: 5 prime UTR variant (7), non-coding transcript variant (7).
Genome position (GRCh38, 1-based): chr1:45,334,442, T>A on the plus strand (A>T on the coding strand, the complement: MUTYH is on the minus strand). VCF-style: chr1-45334442-T-A. GRCh37 (hg19) VCF-style: chr1-45800114-T-A.
Other names: c.64A>T, p.Arg22Trp (NM_001048171.2, NM_001048172.2, NM_001048173.2 and 15 more transcripts); c.106A>T, p.Arg36Trp (NM_001128425.2, NM_001293190.2, NM_001407069.1 and 2 more transcripts); c.-149A>T (NM_001293192.2, NM_001293196.2, NM_001407091.1); c.-208A>T (NM_001350650.2); c.-144A>T (NM_001350651.2, NM_001407082.1); c.-93A>T (NM_001407075.1); c.82A>T, p.Arg28Trp (NM_001407087.1); short protein forms R28W, R22W, R36W.
Identifiers: ClinVar variation 4112980 (VCV004112980.1).